The following is an entry in ClinVar:

NM_032802.4(SPPL2A):c.541T>A (p.Phe181Ile)

Gene: SPPL2A (signal peptide peptidase like 2A; minus strand). Cytogenetic location: 15q21.2.
Variant type: single nucleotide variant.
Coding change: c.541T>A on transcript NM_032802.4 (MANE Select); coding-DNA position 541, T replaced by A.
Protein change: p.Phe181Ile; replaces phenylalanine 181 with isoleucine.
Molecular consequence: missense variant.
Genome position (GRCh38, 1-based): chr15:50,747,538, A>T on the plus strand (T>A on the coding strand, the complement: SPPL2A is on the minus strand). VCF-style: chr15-50747538-A-T. GRCh37 (hg19) VCF-style: chr15-51039735-A-T.
Other names: c.541T>A (NM_032802.3); short protein forms F181I.
Identifiers: ClinVar variation 1502487 (VCV001502487.9), dbSNP rs2141050904, ClinGen allele CA392413615.

ClinVar aggregate classification (germline): Uncertain significance. Review status: criteria provided, multiple submitters, no conflicts (2 of 4 stars). 2 submissions from 2 submitters: Uncertain significance (2). Last evaluated 2022-05-27.

Submissions (2):

Labcorp Genetics (formerly Invitae), Labcorp
Classification: Uncertain significance. Last evaluated: 2022-05-27. Review status: criteria provided, single submitter. Criteria: Invitae Variant Classification Sherloc (09022015). Collection method: clinical testing. Allele origin: germline.
Comment: This variant is not present in population databases (gnomAD no frequency). In summary, the available evidence is currently insufficient to determine the role of this variant in disease. Therefore, it has been classified as a Variant of Uncertain Significance. Algorithms developed to predict the effect of missense changes on protein structure and function (SIFT, PolyPhen-2, Align-GVGD) all suggest that this variant is likely to be tolerated. This variant has not been reported in the literature in individuals affected with SPPL2A-related conditions. This sequence change replaces phenylalanine, which is neutral and non-polar, with isoleucine, which is neutral and non-polar, at codon 181 of the SPPL2A protein (p.Phe181Ile).

Ambry Genetics
Classification: Uncertain significance. Last evaluated: 2021-11-09. Review status: criteria provided, single submitter. Criteria: Ambry Variant Classification Scheme 2023. Collection method: clinical testing. Allele origin: germline.